The following is an entry in ClinVar:

ClinVar aggregate classification (germline): Uncertain significance (1 of 4 stars; one submission).

Conditions:
Amyotrophic lateral sclerosis type 1 (ALS1). Also called: AMYOTROPHIC LATERAL SCLEROSIS 1, FAMILIAL. Identifiers: Orphanet 803, MedGen C1862939, MONDO:0007103, OMIM 105400.
Neuronopathy, distal hereditary motor, type 7B. Also called: NEURONOPATHY, DISTAL HEREDITARY MOTOR, AUTOSOMAL DOMINANT 14; NEURONOPATHY, DISTAL HEREDITARY MOTOR, HARDING TYPE VIIB; NEUROPATHY, DISTAL HEREDITARY MOTOR, HARDING TYPE VIIB; NEUROPATHY, DISTAL HEREDITARY MOTOR, WITH VOCAL CORD PARALYSIS, HARDING TYPE VIIB; Distal Hereditary Motor Neuronopathy Type 7B (dHMN7B); HMN VIIB. Identifiers: Orphanet 139589, MedGen C1843315, MONDO:0011879, OMIM 607641.
Perry syndrome. Also called: PARKINSONISM WITH ALVEOLAR HYPOVENTILATION AND MENTAL DEPRESSION. Identifiers: Orphanet 178509, MedGen C1868594, MONDO:0008201, OMIM 168605.

Allele frequency attached by ClinVar (database versions not stated): gnomAD exomes below 0.00001.
gnomAD v4.1: 5 of 1,614,246 alleles (0.00031%); highest among the groups gnomAD compares: South Asian, 0.0011%; no homozygotes.

Submission:

Labcorp Genetics (formerly Invitae), Labcorp
Classification: Uncertain significance for Amyotrophic lateral sclerosis type 1; Neuronopathy, distal hereditary motor, type 7B; Perry syndrome. Last evaluated: 2025-11-05. Review status: criteria provided, single submitter. Criteria: Invitae Variant Classification Sherloc (09022015). Collection method: clinical testing. Allele origin: germline.
Comment: This sequence change replaces lysine, which is basic and polar, with arginine, which is basic and polar, at codon 960 of the DCTN1 protein (p.Lys960Arg). This variant is present in population databases (no rsID available, gnomAD 0.004%). This variant has not been reported in the literature in individuals affected with DCTN1-related conditions. ClinVar contains an entry for this variant (Variation ID: 647047). Invitae Evidence Modeling of protein sequence and biophysical properties (such as structural, functional, and spatial information, amino acid conservation, physicochemical variation, residue mobility, and thermodynamic stability) indicates that this missense variant is not expected to disrupt DCTN1 protein function with a negative predictive value of 95%. In summary, the available evidence is currently insufficient to determine the role of this variant in disease. Therefore, it has been classified as a Variant of Uncertain Significance.

NM_004082.5(DCTN1):c.2879A>G (p.Lys960Arg)

Gene: DCTN1 (dynactin subunit 1; minus strand). Cytogenetic location: 2p13.1.
Variant type: single nucleotide variant.
Coding change: c.2879A>G on transcript NM_004082.5 (MANE Select); coding-DNA position 2879, A replaced by G.
Protein change: p.Lys960Arg; replaces lysine 960 with arginine.
Molecular consequence: missense variant. On other transcripts: non-coding transcript variant (1).
Genome position (GRCh38, 1-based): chr2:74,365,900, T>C on the plus strand (A>G on the coding strand, the complement: DCTN1 is on the minus strand). VCF-style: chr2-74365900-T-C. GRCh37 (hg19) VCF-style: chr2-74593027-T-C.
Other names: c.2819A>G, p.Lys940Arg (NM_001135040.3); c.2477A>G, p.Lys826Arg (NM_001135041.3, NM_023019.4); c.2768A>G, p.Lys923Arg (NM_001190836.2); c.2858A>G, p.Lys953Arg (NM_001190837.2); c.2828A>G, p.Lys943Arg (NM_001378991.1); c.2810A>G, p.Lys937Arg (NM_001378992.1); short protein forms K940R, K953R, K826R, K923R, K960R, K937R, K943R.
Identifiers: ClinVar variation 647047 (VCV000647047.9), dbSNP rs1354697657, ClinGen allele CA347342214.